The following is an entry in ClinVar:

NM_052867.4(NALCN):c.2371A>C (p.Asn791His)

Gene: NALCN (sodium leak channel, non-selective; minus strand). Cytogenetic location: 13q33.1.
Variant type: single nucleotide variant.
Coding change: c.2371A>C on transcript NM_052867.4 (MANE Select); coding-DNA position 2371, A replaced by C.
Protein change: p.Asn791His; replaces asparagine 791 with histidine.
Molecular consequence: missense variant.
Genome position (GRCh38, 1-based): chr13:101,107,783, T>G on the plus strand (A>C on the coding strand, the complement: NALCN is on the minus strand). VCF-style: chr13-101107783-T-G. GRCh37 (hg19) VCF-style: chr13-101760134-T-G.
Other names: c.2458A>C, p.Asn820His (NM_001350748.2); c.2371A>C, p.Asn791His (NM_001350749.2); c.2284A>C, p.Asn762His (NM_001350750.2, NM_001350751.2); short protein forms N762H, N791H, N820H.
Identifiers: ClinVar variation 1331330 (VCV001331330.2), dbSNP rs2139632996, ClinGen allele CA388670698.

ClinVar aggregate classification (germline): Uncertain significance (1 of 4 stars; one submission).

Submission:

GeneDx
Classification: Uncertain significance. Last evaluated: 2021-06-29. Review status: criteria provided, single submitter. Criteria: GeneDx Variant Classification Process June 2021. Collection method: clinical testing. Allele origin: germline. Affected: yes.
Comment: Not observed at significant frequency in large population cohorts (Lek et al., 2016); In silico analysis supports that this missense variant does not alter protein structure/function; Has not been previously published as pathogenic or benign to our knowledge; This variant is associated with the following publications: (PMID: 27535533)